The following is an entry in ClinVar:

ClinVar aggregate classification (germline): Uncertain significance. Review status: criteria provided, multiple submitters, no conflicts (2 of 4 stars). 2 submissions from 2 submitters: Uncertain significance (2). Last evaluated 2025-08-03.

Conditions:
ELMOD3-related disorder. Also called: ELMOD3-related condition.

gnomAD v4.1: 1 of 1,614,146 alleles (0.000062%); highest among the groups gnomAD compares: Non-Finnish European, 0.000085%; no homozygotes.

Submissions (2):

Ambry Genetics
Classification: Uncertain significance. Last evaluated: 2025-08-03. Review status: criteria provided, single submitter. Criteria: Ambry Variant Classification Scheme 2023. Collection method: clinical testing. Allele origin: germline.

PreventionGenetics, part of Exact Sciences
Classification: Uncertain significance for ELMOD3-related condition. Last evaluated: 2022-09-28. Review status: criteria provided, single submitter. Criteria: ACMG Guidelines, 2015. Collection method: clinical testing. Allele origin: germline.
Comment: The ELMOD3 c.333C>G variant is predicted to result in the amino acid substitution p.Phe111Leu. To our knowledge, this variant has not been reported in the literature or in a large population database, indicating this variant is rare. At this time, the clinical significance of this variant is uncertain due to the absence of conclusive functional and genetic evidence.

NM_001135022.2(ELMOD3):c.333C>G (p.Phe111Leu)

Gene: ELMOD3 (ELMO domain containing 3; plus strand). Cytogenetic location: 2p11.2.
Variant type: single nucleotide variant.
Coding change: c.333C>G on transcript NM_001135022.2 (MANE Select); coding-DNA position 333, C replaced by G.
Protein change: p.Phe111Leu; replaces phenylalanine 111 with leucine.
Molecular consequence: missense variant. On other transcripts: non-coding transcript variant (3).
Genome position (GRCh38, 1-based): chr2:85,369,803, C>G. VCF-style: chr2-85369803-C-G. GRCh37 (hg19) VCF-style: chr2-85596926-C-G.
Other names: c.333C>G, p.Phe111Leu (NM_001135021.2, NM_001135023.2, NM_001329791.2 and 3 more transcripts); c.333C>G (NM_032213.4); short protein forms F111L.
Identifiers: ClinVar variation 2637359 (VCV002637359.2), dbSNP rs1383683449, ClinGen allele CA347481161.